The following is an entry in ClinVar:

ClinVar aggregate classification (germline): Uncertain significance. Review status: criteria provided, multiple submitters, no conflicts (2 of 4 stars). 2 submissions from 2 submitters: Uncertain significance (2). Last evaluated 2023-12-01.

Conditions:
Familial focal epilepsy with variable foci (FPEVF). Identifiers: Orphanet 98820, MedGen C1858477, MONDO:0020310.

Allele frequency attached by ClinVar (database versions not stated): TOPMed below 0.00001; ExAC 0.00001; gnomAD 0.00001; gnomAD exomes 0.00001.
gnomAD v4.1: 10 of 1,613,936 alleles (0.00062%); highest among the groups gnomAD compares: Admixed American, 0.0067%; no homozygotes.

Submissions (2):

CeGaT Center for Human Genetics Tuebingen
Classification: Uncertain significance. Last evaluated: 2023-12-01. Review status: criteria provided, single submitter. Criteria: CeGaT Center For Human Genetics Tuebingen Variant Classification Criteria Version 2. Collection method: clinical testing. Allele origin: germline. Affected: yes. Observed: 1 variant allele.

Labcorp Genetics (formerly Invitae), Labcorp
Classification: Uncertain significance for Familial focal epilepsy with variable foci. Last evaluated: 2023-10-03. Review status: criteria provided, single submitter. Criteria: Invitae Variant Classification Sherloc (09022015). Collection method: clinical testing. Allele origin: germline.
Comment: This sequence change replaces aspartic acid, which is acidic and polar, with valine, which is neutral and non-polar, at codon 46 of the DEPDC5 protein (p.Asp46Val). This variant is present in population databases (rs769208150, gnomAD 0.0009%). This variant has not been reported in the literature in individuals affected with DEPDC5-related conditions. ClinVar contains an entry for this variant (Variation ID: 2177150). Experimental studies and prediction algorithms are not available or were not evaluated, and the functional significance of this variant is currently unknown. In summary, the available evidence is currently insufficient to determine the role of this variant in disease. Therefore, it has been classified as a Variant of Uncertain Significance.

NM_001242896.3(DEPDC5):c.137A>T (p.Asp46Val)

Gene: DEPDC5 (DEP domain containing 5, GATOR1 subcomplex subunit; plus strand). Cytogenetic location: 22q12.2.
Variant type: single nucleotide variant.
Coding change: c.137A>T on transcript NM_001242896.3 (MANE Select); coding-DNA position 137, A replaced by T.
Protein change: p.Asp46Val; replaces aspartic acid 46 with valine.
Molecular consequence: missense variant. On other transcripts: non-coding transcript variant (5).
Genome position (GRCh38, 1-based): chr22:31,758,624, A>T. VCF-style: chr22-31758624-A-T. GRCh37 (hg19) VCF-style: chr22-32154610-A-T.
Other names: c.137A>T, p.Asp46Val (NM_001007188.4, NM_001136029.4, NM_001242897.2 and 9 more transcripts); short protein forms D46V.
Identifiers: ClinVar variation 2177150 (VCV002177150.26), dbSNP rs769208150, ClinGen allele CA10195827.
Genomic context (GRCh38, chr22:31,758,624, plus strand): 5'-ACCCCAAAGTGTTCCCTCACATCAAGCTTGGAGACATTGTAGAGATTGCACACCCCAACG[A>T]TGAATACAGGTGAGTGTCTCATAGGATCCATGGAACTGGGCAATTCACTGTTTCCAAATG-3'
Protein context (NP_001229825.1, residues 36-56): GDIVEIAHPN[Asp46Val]EYSPLLLQVK